The following is an entry in ClinVar:

NC_012920.1(MT-ATP8):m.8553C>T

Genes: MT-ATP6 (mitochondrially encoded ATP synthase 6; plus strand), MT-ATP8 (mitochondrially encoded ATP synthase 8; plus strand).
Variant type: single nucleotide variant.
Genome position: chrM-8553-C-T.
Identifiers: ClinVar variation 618720 (VCV000618720.10), dbSNP rs1569484219, ClinGen allele CA414796661.

ClinVar aggregate classification (germline): Uncertain significance. Review status: reviewed by expert panel (3 of 4 stars). 3 submissions from 3 submitters: Uncertain significance (1). 2 of the submissions do not count toward it. Last evaluated 2023-06-26.

Conditions:
Mitochondrial disease. Also called: Mitochondrial disorders; Mitochondrial disorder. Identifiers: Orphanet 68380, MedGen C0751651, MeSH D028361, MONDO:0044970.
Leigh syndrome (NULS). Also called: Leigh's necrotizing encephalopathy; Leigh's syndrome; Leigh Disease; Leigh's disease; Leigh Syndrome (mtDNA deletion); LEIGH SYNDROME, NUCLEAR. Identifiers: Orphanet 506, MedGen C2931891, MONDO:0009723, OMIM 256000.

Submissions (3):

ClinGen Mitochondrial Disease Nuclear and Mitochondrial  Variant Curation Expert Panel, ClinGen
Classification: Uncertain significance for Mitochondrial disease. Last evaluated: 2023-06-26. Review status: reviewed by expert panel. Criteria: clingen mito disease acmg specifications v1-1. Collection method: curation. Allele origin: germline. Inheritance: Mitochondrial inheritance.
Comment: The m.8553C>T (p.F9F in MT-ATP6; p.S63L in MT-ATP8) was reviewed by the Mitochondrial Disease Nuclear and Mitochondrial Variant Curation Expert Panel on June 26, 2023. There are no individuals or families with primary mitochondrial disease with this variant reported in the medical literature to our knowledge. This variant is present in population databases and is seen in individuals from several different haplogroups (MITOMAP: 0.023%, 14/61,883; gnomAD v3.1.2: 0.041%, 23/56,428 homoplasmic occurrences; Helix: 0.009%, 18/195,893 homoplasmic occurrences). The computational predictor APOGEE gives a consensus rating of pathogenic with a score of 0.7 (Min=0, Max=1), which predicts a damaging effect on gene function (PP3). There are no cybrids, single fiber studies, or other functional assays reported for this variant. In summary, this variant meets criteria to be classified as uncertain significance for primary mitochondrial disease inherited in a mitochondrial manner. This classification was approved by the NICHD/NINDS U24 ClinGen Mitochondrial Disease Variant Curation Expert Panel on June 26, 2023. Mitochondrial DNA-specific ACMG/AMP criteria applied (PMID: 32906214): PP3.

Wong Mito Lab, Molecular and Human Genetics, Baylor College of Medicine
Classification: Likely benign for Leigh syndrome. Last evaluated: 2019-10-17. Review status: criteria provided, single submitter. Criteria: Modified ACMG Guidelines (Unpublished). Collection method: clinical testing. Allele origin: germline. Not counted in ClinVar's aggregate classification.
Comment: The NC_012920.1:m.8553C>T (YP_003024030.1:p.Ser63Leu) variant in MTATP8 gene is interpretated to be a Likely Benign variant based on the modified ACMG guidelines (unpublished). This variant meets the following evidence codes: BS1, BP6

ARUP Laboratories, Molecular Genetics and Genomics, ARUP Laboratories
Classification: Uncertain significance. Last evaluated: 2018-06-12. Review status: criteria provided, single submitter. Criteria: ARUP Molecular Germline Variant Investigation Process. Collection method: clinical testing. Allele origin: germline. Not counted in ClinVar's aggregate classification.
Comment: The m.8553C>T variant affects two mitochondrially-encoded genes; MT-ATP8 (c.188C>T; p.Ser63Leu) and MT-ATP6 (c.27C>T; p. Phe9Phe), and has not been associated with any disease. This variant affects a weakly conserved nucleotide, but is rare in the general population (identified in nine individuals in the MITOMAP database; 0.02% population frequency) and is not associated with any particular haplogroup. Therefore, due to limited information, the clinical significance of the m.8553C>T variant is uncertain at this time.